The following is an entry in ClinVar:

ClinVar aggregate classification (germline): Benign/Likely benign. Review status: criteria provided, multiple submitters, no conflicts (2 of 4 stars). 3 submissions from 3 submitters: Benign (1); Likely benign (2). Last evaluated 2026-06-17.

Conditions:
Lynch syndrome 4 (LYNCH4). Also called: Hereditary non-polyposis colorectal cancer, type 4; Colorectal cancer, hereditary nonpolyposis, type 4. Identifiers: Orphanet 144, MedGen C1838333, MONDO:0013699, OMIM 614337. Disease mechanism: loss of function.
Hereditary nonpolyposis colorectal neoplasms. Identifiers: MedGen C0009405, MeSH D003123.
Hereditary cancer-predisposing syndrome. Also called: Neoplastic Syndromes, Hereditary; Tumor predisposition; Hereditary Cancer Syndrome; Hereditary neoplastic syndrome. Identifiers: Orphanet 140162, MedGen C0027672, MeSH D009386, MONDO:0015356.

Submissions (3):

Ambry Genetics
Classification: Likely benign for Hereditary cancer-predisposing syndrome. Last evaluated: 2026-06-17. Review status: criteria provided, single submitter. Criteria: Ambry Variant Classification Scheme 2023. Collection method: clinical testing. Allele origin: germline.

Myriad Genetics, Inc.
Classification: Benign for Lynch syndrome 4. Last evaluated: 2025-01-27. Review status: criteria provided, single submitter. Criteria: Myriad Autosomal Dominant, Autosomal Recessive and X-Linked Classification Criteria (2023). Collection method: clinical testing. Allele origin: unknown.
Comment: This variant is considered benign. This variant is a silent/synonymous amino acid change and it is not expected to impact splicing.

Labcorp Genetics (formerly Invitae), Labcorp
Classification: Likely benign for Hereditary nonpolyposis colorectal neoplasms. Last evaluated: 2024-04-10. Review status: criteria provided, single submitter. Criteria: Invitae Variant Classification Sherloc (09022015). Collection method: clinical testing. Allele origin: germline.

NM_000535.7(PMS2):c.597T>C (p.Arg199=)

Gene: PMS2 (PMS1 homolog 2, mismatch repair system component; minus strand). Cytogenetic location: 7p22.1.
Variant type: single nucleotide variant.
Coding change: c.597T>C on transcript NM_000535.7 (MANE Select); coding-DNA position 597, T replaced by C.
Protein change: p.Arg199=; no amino-acid change (arginine 199 retained).
Molecular consequence: synonymous variant. On other transcripts: 5 prime UTR variant (2), non-coding transcript variant (1), intron variant (1).
Genome position (GRCh38, 1-based): chr7:5,999,216, A>G on the plus strand (T>C on the coding strand, the complement: PMS2 is on the minus strand). VCF-style: chr7-5999216-A-G. GRCh37 (hg19) VCF-style: chr7-6038847-A-G.
Other names: c.192T>C, p.Arg64= (NM_001322003.2, NM_001322004.2, NM_001322005.2 and 2 more transcripts); c.597T>C, p.Arg199= (NM_001322006.2, NM_001322014.2); c.279T>C, p.Arg93= (NM_001322007.2, NM_001322008.2); c.-337T>C (NM_001322011.2, NM_001322012.2); c.288T>C, p.Arg96= (NM_001322015.2); c.133-1793T>C (NM_001322013.2); c.597T>C (NM_000535.5).
Identifiers: ClinVar variation 1146597 (VCV001146597.11), dbSNP rs2128801210, ClinGen allele CA453647161.